The following is an entry in ClinVar:

NM_003482.4(KMT2D):c.11510C>A (p.Ser3837Tyr)

Gene: KMT2D (lysine methyltransferase 2D; minus strand). Cytogenetic location: 12q13.12.
Variant type: single nucleotide variant.
Coding change: c.11510C>A on transcript NM_003482.4 (MANE Select); coding-DNA position 11510, C replaced by A.
Protein change: p.Ser3837Tyr; replaces serine 3837 with tyrosine.
Molecular consequence: missense variant.
Genome position (GRCh38, 1-based): chr12:49,033,195, G>T on the plus strand (C>A on the coding strand, the complement: KMT2D is on the minus strand). VCF-style: chr12-49033195-G-T. GRCh37 (hg19) VCF-style: chr12-49426978-G-T.
Other names: short protein forms S3837Y.
Identifiers: ClinVar variation 5002562 (VCV005002562.1).
Genomic context (GRCh38, chr12:49,033,195, plus strand): 5'-TGCTGGGCTGTGACCAGCCTGTGTCCCATAAGGCCCTGACCCTGCTGTGCCAGCTGGGGG[G>T]AACTGAGCACCCGGGACTGGGTCATAAGCACCTGTCTGTGAGGGCCCTGGGGGCCCAAAG-3'
Protein context (NP_003473.3, residues 3827-3847): VLMTQSRVLS[Ser3837Tyr]PQLAQQGQGL

ClinVar aggregate classification (germline): Uncertain significance (1 of 4 stars; one submission).

Conditions:
KMT2D-related disorder. Also called: KMT2D-Related Disorders.

gnomAD v4.1: 5 of 1,550,290 alleles (0.00032%); highest among the groups gnomAD compares: Non-Finnish European, 0.00044%; no homozygotes.

Submission:

PreventionGenetics, part of Exact Sciences
Classification: Uncertain significance for KMT2D-related condition. Last evaluated: 2025-01-16. Review status: criteria provided, single submitter. Criteria: ACMG Guidelines, 2015. Collection method: clinical testing. Allele origin: germline.
Comment: The KMT2D c.11510C>A variant is predicted to result in the amino acid substitution p.Ser3837Tyr. To our knowledge, this variant has not been reported in the literature or in a large population database (gnomAD), indicating this variant is rare. At this time, the clinical significance of this variant is uncertain due to the absence of conclusive functional and genetic evidence.